The following is an entry in ClinVar:

ClinVar aggregate classification (germline): Uncertain significance (1 of 4 stars; one submission).

Submission:

Women's Health and Genetics/Laboratory Corporation of America, LabCorp
Classification: Uncertain significance. Last evaluated: 2026-03-24. Review status: criteria provided, single submitter. Criteria: LabCorp Variant Classification Summary - May 2015. Collection method: clinical testing. Allele origin: germline.
Comment: Variant summary: ANKRD11 c.3241G>C (p.Asp1081His) results in a non-conservative amino acid change in the encoded protein sequence. Algorithms developed to predict the effect of missense changes on protein structure and function are either unavailable or do not agree on the potential impact of this missense change. The variant was absent in 251408 control chromosomes. The available data on variant occurrences in the general population are insufficient to allow any conclusion about variant significance. To our knowledge, no occurrence of c.3241G>C in individuals affected with ANKRD11-related conditions and no experimental evidence demonstrating its impact on protein function have been reported. No submitters have cited clinical-significance assessments for this variant to ClinVar. Based on the evidence outlined above, the variant was classified as uncertain significance.

NM_013275.6(ANKRD11):c.3241G>C (p.Asp1081His)

Gene: ANKRD11 (ankyrin repeat domain 11; minus strand). Cytogenetic location: 16q24.3.
Variant type: single nucleotide variant.
Coding change: c.3241G>C on transcript NM_013275.6 (MANE Select); coding-DNA position 3241, G replaced by C.
Protein change: p.Asp1081His; replaces aspartic acid 1081 with histidine.
Molecular consequence: missense variant.
Genome position (GRCh38, 1-based): chr16:89,283,301, C>G on the plus strand (G>C on the coding strand, the complement: ANKRD11 is on the minus strand). VCF-style: chr16-89283301-C-G. GRCh37 (hg19) VCF-style: chr16-89349709-C-G.
Other names: c.3241G>C, p.Asp1081His (NM_001256182.2, NM_001256183.2); short protein forms D1081H.
Identifiers: ClinVar variation 4847710 (VCV004847710.1).